The following is an entry in ClinVar:

ClinVar aggregate classification (germline): Uncertain significance (1 of 4 stars; one submission).

Conditions:
Polyglandular autoimmune syndrome, type 1 (APS1). Also called: AUTOIMMUNE POLYENDOCRINE SYNDROME, TYPE I, WITH OR WITHOUT REVERSIBLE METAPHYSEAL DYSPLASIA; APS I; Autoimmune polyendocrine syndrome type 1; PGA I; Whitaker syndrome; HYPOADRENOCORTICISM WITH HYPOPARATHYROIDISM AND SUPERFICIAL MONILIASIS. Identifiers: Orphanet 3453, MedGen C0085859, MONDO:0009411, OMIM 240300.

Allele frequency attached by ClinVar (database versions not stated): TOPMed below 0.00001; ExAC 0.00073.

Submission:

Labcorp Genetics (formerly Invitae), Labcorp
Classification: Uncertain significance for Polyglandular autoimmune syndrome, type 1. Last evaluated: 2025-08-18. Review status: criteria provided, single submitter. Criteria: Invitae Variant Classification Sherloc (09022015). Collection method: clinical testing. Allele origin: germline.
Comment: This sequence change replaces arginine, which is basic and polar, with proline, which is neutral and non-polar, at codon 139 of the AIRE protein (p.Arg139Pro). The frequency data for this variant in the population databases is considered unreliable, as metrics indicate poor data quality at this position in the gnomAD database. This variant has not been reported in the literature in individuals affected with AIRE-related conditions. ClinVar contains an entry for this variant (Variation ID: 1449867). Invitae Evidence Modeling of protein sequence and biophysical properties (such as structural, functional, and spatial information, amino acid conservation, physicochemical variation, residue mobility, and thermodynamic stability) indicates that this missense variant is expected to disrupt AIRE protein function with a positive predictive value of 95%. In summary, the available evidence is currently insufficient to determine the role of this variant in disease. Therefore, it has been classified as a Variant of Uncertain Significance.

NM_000383.4(AIRE):c.416G>C (p.Arg139Pro)

Gene: AIRE (autoimmune regulator; plus strand). Cytogenetic location: 21q22.3.
Variant type: single nucleotide variant.
Coding change: c.416G>C on transcript NM_000383.4 (MANE Select); coding-DNA position 416, G replaced by C.
Protein change: p.Arg139Pro; replaces arginine 139 with proline.
Molecular consequence: missense variant.
Genome position (GRCh38, 1-based): chr21:44,287,086, G>C. VCF-style: chr21-44287086-G-C. GRCh37 (hg19) VCF-style: chr21-45706969-G-C.
Other names: short protein forms R139P.
Identifiers: ClinVar variation 1449867 (VCV001449867.6), dbSNP rs201965760, ClinGen allele CA10051550.